The following is an entry in ClinVar:

ClinVar aggregate classification (germline): Uncertain significance. Review status: criteria provided, single submitter (1 of 4 stars). 2 submissions from 2 submitters: Uncertain significance (1). 1 of the submissions does not count toward it. Last evaluated 2022-05-01.

Conditions:
KDM4B-related disorder. Also called: KDM4B-related condition.

Allele frequency attached by ClinVar (database versions not stated): gnomAD exomes below 0.00001; TOPMed below 0.00001; gnomAD 0.00001; ExAC 0.00002.
gnomAD v4.1: 8 of 1,613,956 alleles (0.0005%); highest among the groups gnomAD compares: Non-Finnish European, 0.00068%; no homozygotes.

Submissions (2):

CeGaT Center for Human Genetics Tuebingen
Classification: Uncertain significance. Last evaluated: 2022-05-01. Review status: criteria provided, single submitter. Criteria: CeGaT Center For Human Genetics Tuebingen Variant Classification Criteria Version 2. Collection method: clinical testing. Allele origin: germline. Affected: yes. Observed: 1 variant allele.
Comment: KDM4B: PP2

PreventionGenetics, part of Exact Sciences
Classification: Uncertain significance for KDM4B-related condition. Last evaluated: 2023-12-18. Review status: no assertion criteria provided. Collection method: clinical testing. Allele origin: germline. Not counted in ClinVar's aggregate classification.
Comment: The KDM4B c.65T>C variant is predicted to result in the amino acid substitution p.Met22Thr. To our knowledge, this variant has not been reported in the literature. This variant is reported in 0.0018% of alleles in individuals of European (Non-Finnish) descent in gnomAD. At this time, the clinical significance of this variant is uncertain due to the absence of conclusive functional and genetic evidence.

NM_015015.3(KDM4B):c.65T>C (p.Met22Thr)

Gene: KDM4B (lysine demethylase 4B; plus strand). Cytogenetic location: 19p13.3.
Variant type: single nucleotide variant.
Coding change: c.65T>C on transcript NM_015015.3 (MANE Select); coding-DNA position 65, T replaced by C.
Protein change: p.Met22Thr; replaces methionine 22 with threonine.
Molecular consequence: missense variant.
Genome position (GRCh38, 1-based): chr19:5,032,955, T>C. VCF-style: chr19-5032955-T-C. GRCh37 (hg19) VCF-style: chr19-5032966-T-C.
Other names: c.65T>C (NM_015015.2); c.65T>C, p.Met22Thr (NM_001370093.1, NM_001370094.1, NM_001411148.1); short protein forms M22T.
Identifiers: ClinVar variation 2649085 (VCV002649085.25), dbSNP rs769976056, ClinGen allele CA9107221.